The following is an entry in ClinVar:

ClinVar aggregate classification (germline): Uncertain significance. Review status: criteria provided, multiple submitters, no conflicts (2 of 4 stars). 2 submissions from 2 submitters: Uncertain significance (2). Last evaluated 2021-05-17.

Conditions:
Weaver syndrome (WVS). Also called: Weaver Smith syndrome; Overgrowth syndrome with accelerated skeletal maturation, unusual facies, and camptodactyly. Identifiers: Orphanet 3447, MedGen C0265210, MONDO:0010193, OMIM 277590.

Allele frequency attached by ClinVar (database versions not stated): gnomAD exomes below 0.00001.
gnomAD v4.1: 2 of 1,614,178 alleles (0.00012%); highest among the groups gnomAD compares: Non-Finnish European, 0.00017%; no homozygotes.

Submissions (2):

Revvity Omics, Revvity
Classification: Uncertain significance for Weaver syndrome. Last evaluated: 2021-05-17. Review status: criteria provided, single submitter. Criteria: ACMG Guidelines, 2015. Collection method: clinical testing. Allele origin: germline.

Greenwood Genetic Center Diagnostic Laboratories, Greenwood Genetic Center
Classification: Uncertain significance. Last evaluated: 2021-04-27. Review status: criteria provided, single submitter. Criteria: ACMG Guidelines, 2015. Collection method: clinical testing. Allele origin: germline. Affected: yes.
Comment: PM2

NM_004456.5(EZH2):c.1094A>G (p.Asn365Ser)

Gene: EZH2 (enhancer of zeste 2 polycomb repressive complex 2 subunit; minus strand). Cytogenetic location: 7q36.1.
Variant type: single nucleotide variant.
Coding change: c.1094A>G on transcript NM_004456.5 (MANE Select); coding-DNA position 1094, A replaced by G.
Protein change: p.Asn365Ser; replaces asparagine 365 with serine.
Molecular consequence: missense variant.
Genome position (GRCh38, 1-based): chr7:148,818,023, T>C on the plus strand (A>G on the coding strand, the complement: EZH2 is on the minus strand). VCF-style: chr7-148818023-T-C. GRCh37 (hg19) VCF-style: chr7-148515115-T-C.
Other names: c.1079A>G, p.Asn360Ser (NM_001203247.2); c.1052A>G, p.Asn351Ser (NM_001203248.2, NM_001203249.2); c.962A>G, p.Asn321Ser (NM_152998.3); short protein forms N321S, N351S, N360S, N365S.
Identifiers: ClinVar variation 1334743 (VCV001334743.6), dbSNP rs1285260202, ClinGen allele CA369716678.